The following is an entry in ClinVar:

ClinVar aggregate classification (germline): Conflicting classifications of pathogenicity. Review status: criteria provided, conflicting classifications (1 of 4 stars). 2 submissions from 2 submitters: Uncertain significance (1); Likely benign (1). Last evaluated 2022-04-01.

Allele frequency attached by ClinVar (database versions not stated): TOPMed below 0.00001; gnomAD exomes 0.00002.
gnomAD v4.1: 30 of 1,614,200 alleles (0.0019%); highest among the groups gnomAD compares: Non-Finnish European, 0.0025%; no homozygotes.

Submissions (2):

CeGaT Center for Human Genetics Tuebingen
Classification: Uncertain significance. Last evaluated: 2022-04-01. Review status: criteria provided, single submitter. Criteria: CeGaT Center For Human Genetics Tuebingen Variant Classification Criteria Version 2. Collection method: clinical testing. Allele origin: germline. Affected: yes. Observed: 1 variant allele.
Comment: MYH14: PM2, PP3

Laboratory for Molecular Medicine, Mass General Brigham Personalized Medicine
Classification: Likely benign. Last evaluated: 2013-05-03. Review status: criteria provided, single submitter. Criteria: LMM Criteria. Collection method: clinical testing. Allele origin: germline. Observed: 3 variant alleles.
Comment: Leu542Arg in exon 14 of MYH14: This variant has not been previously reported in individuals affected with hearing loss or in large population studies. Computati onal analyses (biochemical amino acid properties, conservation, AlignGVGD, PolyP hen2, and SIFT) suggest that the Leu542Arg variant may impact the protein, thoug h this information is not predictive enough to determine pathogenicity. In summary, this variant is likely benign based on the seg regation analysis in this family and therefore it is unlikely to be responsible for the hearing loss in affected family members.

NM_001145809.2(MYH14):c.1625T>G (p.Leu542Arg)

Gene: MYH14 (myosin heavy chain 14; plus strand). Cytogenetic location: 19q13.33.
Variant type: single nucleotide variant.
Coding change: c.1625T>G on transcript NM_001145809.2 (MANE Select); coding-DNA position 1625, T replaced by G.
Protein change: p.Leu542Arg; replaces leucine 542 with arginine.
Molecular consequence: missense variant.
Genome position (GRCh38, 1-based): chr19:50,249,792, T>G. VCF-style: chr19-50249792-T-G. GRCh37 (hg19) VCF-style: chr19-50753049-T-G.
Other names: c.1625T>G, p.Leu542Arg (NM_001077186.2); c.1601T>G, p.Leu534Arg (NM_024729.4); short protein forms L542R, L534R.
Identifiers: ClinVar variation 178953 (VCV000178953.35), dbSNP rs727504564, ClinGen allele CA183373.